The following is an entry in ClinVar:

ClinVar aggregate classification (germline): Uncertain significance (1 of 4 stars; one submission).

Conditions:
SETD1A-related disorder. Also called: SETD1A-related condition.

Submission:

PreventionGenetics, part of Exact Sciences
Classification: Uncertain significance for SETD1A-related condition. Last evaluated: 2023-06-20. Review status: criteria provided, single submitter. Criteria: ACMG Guidelines, 2015. Collection method: clinical testing. Allele origin: germline.
Comment: The SETD1A c.4144_4149dup6 variant is predicted to result in an in-frame duplication (p.Ser1382_Ser1383dup). To our knowledge, this variant has not been reported in the literature or in a large population database, indicating this variant is rare. At this time, the clinical significance of this variant is uncertain due to the absence of conclusive functional and genetic evidence.

NM_014712.3(SETD1A):c.4135AGC[7] (p.Ser1383_Asp1384insSerSer)

Gene: SETD1A (SET domain containing 1A, histone lysine methyltransferase; plus strand). Cytogenetic location: 16p11.2.
Variant type: Microsatellite.
Coding change: c.4135AGC[7] on transcript NM_014712.3 (MANE Select); seven copies in a row of the 3-base unit AGC starting at c.4135; the reference has five copies in a row; two copies, 6 bases duplicated.
Protein change: p.Ser1383_Asp1384insSerSer.
Molecular consequence: inframe insertion.
Genome position (GRCh38, 1-based): chr16:30,979,930-30,979,935, AGCAGC duplicated; duplicating any 6 consecutive bases within chr16:30,979,920-30,979,935 gives the same sequence; the position shown is the placement nearest the transcript's 3' end. VCF-style (leftmost placement, unchanged base first): chr16-30979919-A-ACAGCAG. GRCh37 (hg19) VCF-style: chr16-30991240-A-ACAGCAG.
Identifiers: ClinVar variation 2632416 (VCV002632416.1), dbSNP rs542501339, ClinGen allele CA280553175.